The following is an entry in ClinVar:

NM_000540.3(RYR1):c.9262G>T (p.Val3088Leu)

Gene: RYR1 (ryanodine receptor 1; plus strand). Cytogenetic location: 19q13.2.
Variant type: single nucleotide variant.
Coding change: c.9262G>T on transcript NM_000540.3 (MANE Select); coding-DNA position 9262, G replaced by T.
Protein change: p.Val3088Leu; replaces valine 3088 with leucine.
Molecular consequence: missense variant.
Genome position (GRCh38, 1-based): chr19:38,512,273, G>T. VCF-style: chr19-38512273-G-T. GRCh37 (hg19) VCF-style: chr19-39002913-G-T.
Other names: c.9262G>T, p.Val3088Leu (NM_001042723.2); short protein forms V3088L.
Identifiers: ClinVar variation 478298 (VCV000478298.8), dbSNP rs145044872, ClinGen allele CA405686203.

ClinVar aggregate classification (germline): Uncertain significance (1 of 4 stars; one submission).

Conditions:
RYR1-related disorder. Also called: RYR1-related condition; RYR1-related disorders. Identifiers: MedGen CN239331.

gnomAD v4.1: 2 of 1,614,234 alleles (0.00012%); highest among the groups gnomAD compares: Middle Eastern, 0.033%; no homozygotes.

Submission:

Labcorp Genetics (formerly Invitae), Labcorp
Classification: Uncertain significance for RYR1-related disorder. Last evaluated: 2016-09-14. Review status: criteria provided, single submitter. Criteria: Invitae Variant Classification Sherloc (09022015). Collection method: clinical testing. Allele origin: germline.
Comment: This sequence change replaces valine with leucine at codon 3088 of the RYR1 protein (p.Val3088Leu). The valine residue is highly conserved and there is a small physicochemical difference between valine and leucine. This variant is not present in population databases (ExAC no frequency) and has not been reported in the literature in individuals with a RYR1-related disease. ClinVar contains an entry for a different variant (c.9262G>C) giving rise to the same protein effect observed here (p.Val3088Leu) (Variation ID: 93307). Algorithms developed to predict the effect of missense changes on protein structure and function do not agree on the potential impact of this missense change (SIFT: "Deleterious"; PolyPhen-2: "Benign"; Align-GVGD: "Class C0"). In summary, this variant is a novel missense change with uncertain impact on protein function. Therefore, it has been classified as a Variant of Uncertain Significance.